The following is an entry in ClinVar:

NM_019892.6(INPP5E):c.1178T>C (p.Val393Ala)

Gene: INPP5E (inositol polyphosphate-5-phosphatase E; minus strand). Cytogenetic location: 9q34.3.
Variant type: single nucleotide variant.
Coding change: c.1178T>C on transcript NM_019892.6 (MANE Select); coding-DNA position 1178, T replaced by C.
Protein change: p.Val393Ala; replaces valine 393 with alanine.
Molecular consequence: missense variant.
Genome position (GRCh38, 1-based): chr9:136,433,057, A>G on the plus strand (T>C on the coding strand, the complement: INPP5E is on the minus strand). VCF-style: chr9-136433057-A-G. GRCh37 (hg19) VCF-style: chr9-139327509-A-G.
Other names: c.1178T>C, p.Val393Ala (NM_001318502.2); c.1178T>C (NM_019892.4); short protein forms V393A.
Identifiers: ClinVar variation 591118 (VCV000591118.3), dbSNP rs930286679, ClinGen allele CA201642841.

ClinVar aggregate classification (germline): Uncertain significance. Review status: criteria provided, multiple submitters, no conflicts (2 of 4 stars). 3 submissions from 3 submitters: Uncertain significance (2). 1 of the submissions does not count toward it. Last evaluated 2024-02-27.

Allele frequency attached by ClinVar (database versions not stated): gnomAD exomes below 0.00001; TOPMed below 0.00001; gnomAD 0.00004.
gnomAD v4.1: 8 of 1,612,304 alleles (0.0005%); highest among the groups gnomAD compares: African/African-American, 0.011%; no homozygotes.

Submissions (3):

Blueprint Genetics
Classification: Uncertain significance. Last evaluated: 2024-02-27. Review status: criteria provided, single submitter. Criteria: ACMG Guidelines, 2015. Collection method: clinical testing. Allele origin: germline.

GeneDx
Classification: Uncertain significance. Last evaluated: 2023-12-16. Review status: criteria provided, single submitter. Criteria: GeneDx Variant Classification Process June 2021. Collection method: clinical testing. Allele origin: germline. Affected: yes.
Comment: In silico analysis supports that this missense variant has a deleterious effect on protein structure/function; Has not been previously published as pathogenic or benign to our knowledge; In silico analysis is inconclusive as to whether the variant alters gene splicing. In the absence of RNA/functional studies, the actual effect of this sequence change is unknown.; This variant is associated with the following publications: (PMID: 23386033)

Gharavi Laboratory, Columbia University
Classification: Uncertain significance. Last evaluated: 2018-09-16. Review status: no assertion criteria provided. Criteria: ACMG Guidelines, 2015. Collection method: research. Allele origin: germline. Affected: yes. Not counted in ClinVar's aggregate classification.